The following is an entry in ClinVar:

NM_002497.4(NEK2):c.1318C>A (p.Gln440Lys)

Gene: NEK2 (NIMA related kinase 2; minus strand). Cytogenetic location: 1q32.3.
Variant type: single nucleotide variant.
Coding change: c.1318C>A on transcript NM_002497.4 (MANE Select); coding-DNA position 1318, C replaced by A.
Protein change: p.Gln440Lys; replaces glutamine 440 with lysine.
Molecular consequence: missense variant. On other transcripts: intron variant (1).
Genome position (GRCh38, 1-based): chr1:211,663,446, G>T on the plus strand (C>A on the coding strand, the complement: NEK2 is on the minus strand). VCF-style: chr1-211663446-G-T. GRCh37 (hg19) VCF-style: chr1-211836788-G-T.
Other names: c.1111+3660C>A (NM_001204182.2); short protein forms Q440K.
Identifiers: ClinVar variation 1717349 (VCV001717349.5), dbSNP rs2464370919, ClinGen allele CA344773174.

ClinVar aggregate classification (germline): Uncertain significance (1 of 4 stars; one submission).

Submission:

Labcorp Genetics (formerly Invitae), Labcorp
Classification: Uncertain significance. Last evaluated: 2022-08-21. Review status: criteria provided, single submitter. Criteria: Invitae Variant Classification Sherloc (09022015). Collection method: clinical testing. Allele origin: germline.
Comment: Algorithms developed to predict the effect of missense changes on protein structure and function are either unavailable or do not agree on the potential impact of this missense change (SIFT: "Deleterious"; PolyPhen-2: "Benign"; Align-GVGD: "Class C0"). In summary, the available evidence is currently insufficient to determine the role of this variant in disease. Therefore, it has been classified as a Variant of Uncertain Significance. This variant has not been reported in the literature in individuals affected with NEK2-related conditions. This variant is not present in population databases (gnomAD no frequency). This sequence change replaces glutamine, which is neutral and polar, with lysine, which is basic and polar, at codon 440 of the NEK2 protein (p.Gln440Lys).